The following is an entry in ClinVar:

ClinVar aggregate classification (germline): Uncertain significance (1 of 4 stars; one submission).

Conditions:
Primary ciliary dyskinesia. Also called: Ciliary dyskinesia. Identifiers: Orphanet 244, MedGen C0008780, MONDO:0016575, HP:0012265.

Submission:

Labcorp Genetics (formerly Invitae), Labcorp
Classification: Uncertain significance for Primary ciliary dyskinesia. Last evaluated: 2020-02-10. Review status: criteria provided, single submitter. Criteria: Invitae Variant Classification Sherloc (09022015). Collection method: clinical testing. Allele origin: germline.
Comment: In summary, the available evidence is currently insufficient to determine the role of this variant in disease. Therefore, it has been classified as a Variant of Uncertain Significance. This variant, c.1152_1161delinsA, is a complex sequence change that results in the deletion of 4 and insertion of 1 amino acid(s) of the DNAI1 protein (p.Ser384_Met387delinsArg). This variant is not present in population databases (ExAC no frequency). This variant has been observed in individual(s) with clinical features of DNAI1-related conditions (Invitae). In at least one individual the data is consistent with the variant being in trans (on the opposite chromosome) from a pathogenic variant. Experimental studies and prediction algorithms are not available or were not evaluated, and the functional significance of this variant is currently unknown.

NM_012144.4(DNAI1):c.1152_1161delinsA (p.Ser384_Met387delinsArg)

Gene: DNAI1 (dynein axonemal intermediate chain 1; plus strand). Cytogenetic location: 9p13.3.
Variant type: Indel.
Coding change: c.1152_1161delinsA on transcript NM_012144.4 (MANE Select); coding-DNA positions 1152 to 1161, CGGCGTCATG replaced by A.
Protein change: p.Ser384_Met387delinsArg.
Molecular consequence: inframe indel.
Genome position (GRCh38, 1-based): chr9:34,506,715-34,506,724, CGGCGTCATG replaced by A. VCF-style: chr9-34506715-CGGCGTCATG-A. GRCh37 (hg19) VCF-style: chr9-34506713-CGGCGTCATG-A.
Other names: c.1164_1173delinsA, p.Ser388_Met391delinsArg (NM_001281428.2).
Identifiers: ClinVar variation 967110 (VCV000967110.6), dbSNP rs1824938179, ClinGen allele CA1139660915.